The following is an entry in ClinVar:

ClinVar aggregate classification (germline): Uncertain significance (1 of 4 stars; one submission).

Allele frequency attached by ClinVar (database versions not stated): TOPMed below 0.00001; gnomAD 0.00001; gnomAD exomes 0.00004; ExAC 0.00011.
gnomAD v4.1: 60 of 1,614,052 alleles (0.0037%); highest among the groups gnomAD compares: South Asian, 0.047%; no homozygotes.

Submission:

Labcorp Genetics (formerly Invitae), Labcorp
Classification: Uncertain significance. Last evaluated: 2023-02-13. Review status: criteria provided, single submitter. Criteria: Invitae Variant Classification Sherloc (09022015). Collection method: clinical testing. Allele origin: germline.
Comment: This variant is present in population databases (rs778913697, gnomAD 0.05%), and has an allele count higher than expected for a pathogenic variant. In summary, the available evidence is currently insufficient to determine the role of this variant in disease. Therefore, it has been classified as a Variant of Uncertain Significance. Algorithms developed to predict the effect of missense changes on protein structure and function are either unavailable or do not agree on the potential impact of this missense change (SIFT: "Tolerated"; PolyPhen-2: "Probably Damaging"; Align-GVGD: "Class C0"). This variant has not been reported in the literature in individuals affected with SORL1-related conditions. This sequence change replaces glycine, which is neutral and non-polar, with arginine, which is basic and polar, at codon 786 of the SORL1 protein (p.Gly786Arg).

NM_003105.6(SORL1):c.2356G>A (p.Gly786Arg)

Genes: SORL1 (sortilin related receptor 1; plus strand), LOC114803469 (SORL1 eExon liver enhancer; plus strand). Cytogenetic location: 11q24.1.
Variant type: single nucleotide variant.
Coding change: c.2356G>A on transcript NM_003105.6 (MANE Select); coding-DNA position 2356, G replaced by A.
Protein change: p.Gly786Arg; replaces glycine 786 with arginine.
Molecular consequence: missense variant.
Genome position (GRCh38, 1-based): chr11:121,554,026, G>A. VCF-style: chr11-121554026-G-A. GRCh37 (hg19) VCF-style: chr11-121424735-G-A.
Other names: short protein forms G786R.
Identifiers: ClinVar variation 2960531 (VCV002960531.3), dbSNP rs778913697, ClinGen allele CA6328916.